The following is an entry in ClinVar:

ClinVar aggregate classification (germline): Uncertain significance (1 of 4 stars; one submission).

Conditions:
Inborn genetic diseases. Identifiers: MedGen C0950123, MeSH D030342.

gnomAD v4.1: 1 of 1,611,842 alleles (0.000062%); highest among the groups gnomAD compares: South Asian, 0.0011%; no homozygotes.

Submission:

Ambry Genetics
Classification: Uncertain significance for Inborn genetic diseases. Last evaluated: 2025-07-03. Review status: criteria provided, single submitter. Criteria: Ambry Variant Classification Scheme 2023. Collection method: clinical testing. Allele origin: germline.
Comment: The p.S1372L variant (also known as c.4115C>T), located in coding exon 1 of the SAMD9L gene, results from a C to T substitution at nucleotide position 4115. The serine at codon 1372 is replaced by leucine, an amino acid with dissimilar properties. This amino acid position is conserved. In addition, this alteration is predicted to be tolerated by in silico analysis. Based on the available evidence, the clinical significance of this variant remains unclear.

NM_152703.5(SAMD9L):c.4115C>T (p.Ser1372Leu)

Gene: SAMD9L (sterile alpha motif domain containing 9 like; minus strand). Cytogenetic location: 7q21.2.
Variant type: single nucleotide variant.
Coding change: c.4115C>T on transcript NM_152703.5 (MANE Select); coding-DNA position 4115, C replaced by T.
Protein change: p.Ser1372Leu; replaces serine 1372 with leucine.
Molecular consequence: missense variant.
Genome position (GRCh38, 1-based): chr7:93,131,857, G>A on the plus strand (C>T on the coding strand, the complement: SAMD9L is on the minus strand). VCF-style: chr7-93131857-G-A. GRCh37 (hg19) VCF-style: chr7-92761170-G-A.
Other names: c.4115C>T, p.Ser1372Leu (NM_001303496.3, NM_001303497.3, NM_001303498.3 and 5 more transcripts); short protein forms S1372L.
Identifiers: ClinVar variation 4159292 (VCV004159292.1).
Genomic context (GRCh38, chr7:93,131,857, plus strand): 5'-CAACTCAGAATAATGTTGGCCAAAATGGAATTTTGTTTCTCATTTGTCATGGGCTTTTTT[G>A]AGTTTTGCTGCAGTAGGAAGGCATATTCATTCACTATACTTTCCATGGTGGTAGCATCTT-3'
Protein context (NP_689916.2, residues 1362-1382): NEYAFLLQQN[Ser1372Leu]KKPMTNEKQN